The following is an entry in ClinVar:

ClinVar aggregate classification (germline): Uncertain significance (1 of 4 stars; one submission).

gnomAD v4.1: 1 of 1,319,372 alleles (0.000076%); no homozygotes.

Submission:

GeneDx
Classification: Uncertain significance. Last evaluated: 2022-01-27. Review status: criteria provided, single submitter. Criteria: GeneDx Variant Classification Process June 2021. Collection method: clinical testing. Allele origin: germline. Affected: yes.
Comment: Not observed at significant frequency in large population cohorts (gnomAD); In silico analysis supports that this missense variant does not alter protein structure/function; Has not been previously published as pathogenic or benign to our knowledge

NM_001292063.2(OTOG):c.94+36C>G

Gene: OTOG (otogelin; plus strand). Cytogenetic location: 11p15.1.
Variant type: single nucleotide variant.
Coding change: c.94+36C>G on transcript NM_001292063.2 (MANE Select); 36 bases into the intron after coding-DNA position 94, C replaced by G.
Molecular consequence: intron variant. On other transcripts: missense variant (1).
Genome position (GRCh38, 1-based): chr11:17,547,502, C>G. VCF-style: chr11-17547502-C-G. GRCh37 (hg19) VCF-style: chr11-17569049-C-G.
Other names: c.130C>G, p.Arg44Gly (NM_001277269.2); short protein forms R44G.
Identifiers: ClinVar variation 1699851 (VCV001699851.2), dbSNP rs1216368455, ClinGen allele CA379806635.